The following is an entry in ClinVar:

ClinVar aggregate classification (germline): Pathogenic/Likely pathogenic. Review status: criteria provided, multiple submitters, no conflicts (2 of 4 stars). 9 submissions from 9 submitters: Pathogenic (6); Likely pathogenic (1). 2 of the submissions do not count toward it. Last evaluated 2025-11-06.

Conditions:
SLC26A4-related disorder. Also called: SLC26A4-related condition; SLC26A4-related disorders.
Autosomal recessive nonsyndromic hearing loss 4 (DFNB4). Also called: DEAFNESS, AUTOSOMAL RECESSIVE 4, WITH ENLARGED VESTIBULAR AQUEDUCT, DIGENIC; FOXI1-Related Pendred Syndrome; KCNJ10-Related Pendred Syndrome; Nonsyndromic enlarged vestibular aqueduct (NSEVA); Deafness, autosomal recessive 4, with enlarged vestibular aqueduct; NEUROSENSORY NONSYNDROMIC RECESSIVE DEAFNESS 4. Identifiers: Orphanet 90636, MedGen C3538946, MONDO:0010933, OMIM 600791.
Pendred syndrome (PDS). Also called: Pendred's syndrome; Pendred Syndrome (PDS); DEAFNESS WITH GOITER; GOITER-DEAFNESS SYNDROME; HYPOTHYROIDISM, CONGENITAL, DUE TO DYSHORMONOGENESIS, 2B; THYROID DYSHORMONOGENESIS 2B. Identifiers: Orphanet 705, MedGen C0271829, MONDO:0010134, OMIM 274600.
Hearing loss, autosomal recessive. Also called: Deafness, autosomal recessive; Autosomal recessive nonsyndromic deafness; Nonsyndromic Hearing Loss, Recessive; Rare autosomal recessive non-syndromic sensorineural deafness type DFNB. Identifiers: Orphanet 90635, Orphanet 90636, MedGen C1846647, MONDO:0019588, OMIM 607197.

Allele frequency attached by ClinVar (database versions not stated): gnomAD exomes below 0.00001 and 0.00001; TOPMed below 0.00001; ExAC 0.00001; gnomAD 0.00001; ESP Exome Variant Server 0.00008.
gnomAD v4.1: 5 of 1,608,914 alleles (0.00031%); highest among the groups gnomAD compares: African/African-American, 0.0013%; no homozygotes.

Submissions (9):

PreventionGenetics, part of Exact Sciences
Classification: Pathogenic for SLC26A4-related condition. Last evaluated: 2025-11-06. Review status: criteria provided, single submitter. Criteria: ACMG Guidelines, 2015. Collection method: clinical testing. Allele origin: germline.
Comment: The SLC26A4 c.1238A>G variant is predicted to result in the amino acid substitution p.Gln413Arg. This variant has been reported as causative for autosomal recessive Pendred syndrome and hearing loss with enlarged vestibular aqueducts (EVA) (Huang et al 2011. PubMed ID: 21961810; Kühnen et al 2013. PubMed ID: 24248179; Wang et al 2014. PubMed ID: 25015771). Functional in vitro studies showed this variant results in reduced localization to the plasma membrane and reduced iodide transport activity compared to wildtype pendrin protein (de Moraes et al 2016. PubMed ID: 26752218). This variant is reported in 0.0080% of alleles in individuals of African descent in gnomAD. This variant is interpreted as pathogenic.

Natera, Inc.
Classification: Pathogenic for Pendred syndrome. Last evaluated: 2025-01-02. Review status: criteria provided, single submitter. Criteria: Natera Variant Classification Schema (03/2026). Collection method: clinical testing. Allele origin: germline.
Comment: The c.1238A>G variant in SLC26A4 is a missense variant predicted to cause substitution of glutamine to arginine at amino acid 413. This variant is rare in the general population with a frequency below the threshold expected for the associated phenotype(s). This variant has been observed in one or more individuals affected with the associated recessive disease, as either homozygous or compound heterozygous with a second variant (PMID: 24248179, 25290043, 25015771). A different variant at the same position has been determined to be Pathogenic or Likely Pathogenic. Computational prediction algorithms indicate this variant is likely to affect gene or protein function. Given the available evidence, this variant is classified as Pathogenic.

Women's Health and Genetics/Laboratory Corporation of America, LabCorp
Classification: Pathogenic for Pendred syndrome. Last evaluated: 2024-07-16. Review status: criteria provided, single submitter. Criteria: LabCorp Variant Classification Summary - May 2015. Collection method: clinical testing. Allele origin: germline.
Comment: Variant summary: SLC26A4 c.1238A>G (p.Gln413Arg) results in a conservative amino acid change located in the SLC26A/SulP transporter domain (IPR011547) of the encoded protein sequence. Four of five in-silico tools predict a damaging effect of the variant on protein function. The variant allele was found at a frequency of 8e-06 in 250842 control chromosomes. c.1238A>G has been reported in the literature in multiple individuals affected with hearing loss (examples: Wang_2014, Yazdanpanahi_2015). These data indicate that the variant is very likely to be associated with disease. The following publications have been ascertained in the context of this evaluation (PMID: 25290043, 25015771). ClinVar contains an entry for this variant (Variation ID: 370080). Based on the evidence outlined above, the variant was classified as pathogenic.

Baylor Genetics
Classification: Pathogenic for Autosomal recessive nonsyndromic hearing loss 4. Last evaluated: 2024-03-30. Review status: criteria provided, single submitter. Criteria: ACMG Guidelines, 2015. Collection method: clinical testing. Allele origin: unknown.

Labcorp Genetics (formerly Invitae), Labcorp
Classification: Pathogenic. Last evaluated: 2023-10-18. Review status: criteria provided, single submitter. Criteria: Invitae Variant Classification Sherloc (09022015). Collection method: clinical testing. Allele origin: germline.
Comment: This sequence change replaces glutamine, which is neutral and polar, with arginine, which is basic and polar, at codon 413 of the SLC26A4 protein (p.Gln413Arg). The frequency data for this variant in the population databases is considered unreliable, as metrics indicate poor data quality at this position in the gnomAD database. This missense change has been observed in individuals with SLC26A4-related conditions (PMID: 20137612, 21961810, 23185506, 24248179, 25015771, 25266519, 25290043, 25372295, 26752218). It has also been observed to segregate with disease in related individuals. ClinVar contains an entry for this variant (Variation ID: 370080). Advanced modeling of protein sequence and biophysical properties (such as structural, functional, and spatial information, amino acid conservation, physicochemical variation, residue mobility, and thermodynamic stability) performed at Invitae indicates that this missense variant is expected to disrupt SLC26A4 protein function. Experimental studies have shown that this missense change affects SLC26A4 function (PMID: 26752218). This variant disrupts the p.Gln413 amino acid residue in SLC26A4. Other variant(s) that disrupt this residue have been determined to be pathogenic (PMID: 18285825, 19017801). This suggests that this residue is clinically significant, and that variants that disrupt this residue are likely to be disease-causing. For these reasons, this variant has been classified as Pathogenic.

Genome-Nilou Lab
Classification: Likely pathogenic for Pendred syndrome. Last evaluated: 2021-09-05. Review status: criteria provided, single submitter. Criteria: ACMG Guidelines, 2015. Collection method: clinical testing. Allele origin: germline. Affected: no.

Juno Genomics, Hangzhou Juno Genomics, Inc
Classification: Pathogenic for Autosomal recessive nonsyndromic hearing loss 4; Pendred syndrome. Review status: criteria provided, single submitter. Criteria: ACMG Guidelines, 2015. Collection method: clinical testing. Allele origin: germline. Affected: yes.
Comment: Absent from controls (or at extremely low frequency if recessive) in Genome Aggregation Database, Exome Sequencing Project, 1000 Genomes Project, or Exome Aggregation Consortium.;Well-established in vitro or in vivo functional studies supportive of a damaging effect on the gene or gene product.;For recessive disorders, detected in trans with a pathogenic variant.

Counsyl
Classification: Likely pathogenic for Pendred syndrome. Last evaluated: 2016-01-14. Review status: no assertion criteria provided. Collection method: clinical testing. Allele origin: unknown. Not counted in ClinVar's aggregate classification.

University of Washington Center for Mendelian Genomics, University of Washington
Classification: Likely pathogenic for non-syndromic autosomal recessive hearing loss. Review status: no assertion criteria provided. Collection method: research. Allele origin: inherited. Affected: yes. Not counted in ClinVar's aggregate classification.

Literature cited by the submitters: PubMed 24248179 (cited by 3 submitters); PubMed 25290043 (cited by 4 submitters); PubMed 25015771 (cited by 4 submitters); PubMed 20137612 (cited by Labcorp Genetics (formerly Invitae), Labcorp); PubMed 21961810 (cited by Labcorp Genetics (formerly Invitae), Labcorp and Counsyl); PubMed 23185506 (cited by Labcorp Genetics (formerly Invitae), Labcorp); PubMed 25266519 (cited by Labcorp Genetics (formerly Invitae), Labcorp and Counsyl); PubMed 25372295 (cited by Labcorp Genetics (formerly Invitae), Labcorp); PubMed 26752218 (cited by Labcorp Genetics (formerly Invitae), Labcorp); PubMed 18285825 (cited by Labcorp Genetics (formerly Invitae), Labcorp); PubMed 19017801 (cited by Labcorp Genetics (formerly Invitae), Labcorp); PubMed 23273637 (cited by Counsyl); PubMed 30303587 (cited by University of Washington Center for Mendelian Genomics, University of Washington).

NM_000441.2(SLC26A4):c.1238A>G (p.Gln413Arg)

Gene: SLC26A4 (solute carrier family 26 member 4; plus strand). Cytogenetic location: 7q22.3.
Variant type: single nucleotide variant.
Coding change: c.1238A>G on transcript NM_000441.2 (MANE Select); coding-DNA position 1238, A replaced by G.
Protein change: p.Gln413Arg; replaces glutamine 413 with arginine.
Molecular consequence: missense variant.
Genome position (GRCh38, 1-based): chr7:107,690,212, A>G. VCF-style: chr7-107690212-A-G. GRCh37 (hg19) VCF-style: chr7-107330657-A-G.
Other names: short protein forms Q413R.
Identifiers: ClinVar variation 370080 (VCV000370080.21), dbSNP rs142498437, ClinGen allele CA4432728.